The following is an entry in ClinVar:

NM_032790.4(ORAI1):c.132_137delACCGCC (p.Pro46_Pro47del)

Genes: ORAI1 (ORAI calcium release-activated calcium modulator 1; plus strand), LOC130008987 (ATAC-STARR-seq lymphoblastoid silent region 4981; plus strand). Cytogenetic location: 12q24.31.
Variant type: Deletion.
Coding change: c.132_137delACCGCC on transcript NM_032790.4 (MANE Select); coding-DNA positions 132 to 137, 6 bases deleted (ACCGCC).
Protein change: p.Pro46_Pro47del.
Genome position (GRCh38, 1-based): chr12:121,626,879-121,626,884, ACCGCC deleted; deleting any 6 consecutive bases within chr12:121,626,874-121,626,884 gives the same sequence; the c. name uses the placement nearest the transcript's 3' end. VCF-style (leftmost placement, unchanged base first): chr12-121626873-CCCGCCA-C. GRCh37 (hg19) VCF-style: chr12-122064783-CCA-C.
Other names: c.132_137delACCGCC (NM_032790.3).
Identifiers: ClinVar variation 2577169 (VCV002577169.1), dbSNP rs1555322544, ClinGen allele CA200602.

ClinVar aggregate classification (germline): Benign (1 of 4 stars; one submission).

Submission:

Women's Health and Genetics/Laboratory Corporation of America, LabCorp
Classification: Benign. Last evaluated: 2023-07-11. Review status: criteria provided, single submitter. Criteria: LabCorp Variant Classification Summary - May 2015. Collection method: clinical testing. Allele origin: germline.
Comment: Variant summary: ORAI1 c.138_143delACCGCC (p.Pro48_Pro49del) results in an in-frame deletion that is predicted to remove two amino acids from the encoded protein. The variant allele was found at a frequency of 0.99 in 194348 control chromosomes, suggesting that it is the major allele and therefore benign. To our knowledge, no occurrence of c.138_143delACCGCC in individuals affected with Myopathy, Tubular Aggregate, 2 and no experimental evidence demonstrating its impact on protein function have been reported. No submitters have cited clinical-significance assessments for this variant to ClinVar after 2014. Based on the evidence outlined above, the variant was classified as benign.